The following is an entry in ClinVar:

ClinVar aggregate classification (germline): Benign/Likely benign. Review status: criteria provided, multiple submitters, no conflicts (2 of 4 stars). 7 submissions from 7 submitters: Benign (1); Likely benign (6). Last evaluated 2026-02-01.

Conditions:
ZNF469-related disorder. Also called: ZNF469-related condition.
Cardiovascular phenotype. Identifiers: MedGen CN230736.
Ehlers-Danlos syndrome (EDS). Identifiers: Orphanet 98249, MedGen C0013720, MONDO:0020066.

Allele frequency attached by ClinVar (database versions not stated): TOPMed 0.00001; gnomAD 0.00003; 1000 Genomes Project 30x 0.00141; 1000 Genomes Project 0.00160.
gnomAD v4.1: 477 of 1,550,100 alleles (0.031%); highest among the groups gnomAD compares: South Asian, 0.51%; 3 homozygotes.

Submissions (7):

Labcorp Genetics (formerly Invitae), Labcorp
Classification: Benign. Last evaluated: 2026-02-01. Review status: criteria provided, single submitter. Criteria: Invitae Variant Classification Sherloc (09022015). Collection method: clinical testing. Allele origin: germline.

PreventionGenetics, part of Exact Sciences
Classification: Likely benign for ZNF469-related condition. Last evaluated: 2025-11-18. Review status: criteria provided, single submitter. Criteria: ACMG Guidelines, 2015. Collection method: clinical testing. Allele origin: germline.
Comment: This variant is classified as likely benign based on ACMG/AMP sequence variant interpretation guidelines (Richards et al. 2015 PMID: 25741868, with internal and published modifications).

CeGaT Center for Human Genetics Tuebingen
Classification: Likely benign. Last evaluated: 2025-09-01. Review status: criteria provided, single submitter. Criteria: CeGaT Center For Human Genetics Tuebingen Variant Classification Criteria Version 2. Collection method: clinical testing. Allele origin: germline. Affected: yes. Observed: 1 variant allele.
Comment: ZNF469: BP4, BP7

Blueprint Genetics
Classification: Likely benign. Last evaluated: 2024-08-06. Review status: criteria provided, single submitter. Criteria: ACMG Guidelines, 2015. Collection method: clinical testing. Allele origin: germline.

Genome Diagnostics Laboratory, The Hospital for Sick Children
Classification: Likely benign for Ehlers-Danlos syndrome. Last evaluated: 2022-08-03. Review status: criteria provided, single submitter. Criteria: ACMG Guidelines, 2015. Collection method: clinical testing. Allele origin: germline.

Ambry Genetics
Classification: Likely benign for Cardiovascular phenotype. Last evaluated: 2022-03-03. Review status: criteria provided, single submitter. Criteria: Ambry Variant Classification Scheme 2023. Collection method: clinical testing. Allele origin: germline.

GeneDx
Classification: Likely benign. Last evaluated: 2021-04-26. Review status: criteria provided, single submitter. Criteria: GeneDx Variant Classification Process June 2021. Collection method: clinical testing. Allele origin: germline. Affected: yes.

NM_001367624.2(ZNF469):c.8430G>A (p.Ala2810=)

Gene: ZNF469 (zinc finger protein 469; plus strand). Cytogenetic location: 16q24.2.
Variant type: single nucleotide variant.
Coding change: c.8430G>A on transcript NM_001367624.2 (MANE Select); coding-DNA position 8430, G replaced by A.
Protein change: p.Ala2810=; no amino-acid change (alanine 2810 retained).
Molecular consequence: synonymous variant.
Genome position (GRCh38, 1-based): chr16:88,435,900, G>A. VCF-style: chr16-88435900-G-A. GRCh37 (hg19) VCF-style: chr16-88502308-G-A.
Other names: NM_001127464.1:c.8346G>A; NM_001127464.2:c.8346G>A.
Identifiers: ClinVar variation 320988 (VCV000320988.28), dbSNP rs574024256, ClinGen allele CA8225334.